The following is an entry in ClinVar:

NM_024741.3(ZNF408):c.1897G>A (p.Ala633Thr)

Gene: ZNF408 (zinc finger protein 408; plus strand). Cytogenetic location: 11p11.2.
Variant type: single nucleotide variant.
Coding change: c.1897G>A on transcript NM_024741.3 (MANE Select); coding-DNA position 1897, G replaced by A.
Protein change: p.Ala633Thr; replaces alanine 633 with threonine.
Molecular consequence: missense variant.
Genome position (GRCh38, 1-based): chr11:46,705,597, G>A. VCF-style: chr11-46705597-G-A. GRCh37 (hg19) VCF-style: chr11-46727147-G-A.
Other names: c.1873G>A, p.Ala625Thr (NM_001184751.2); short protein forms A633T, A625T.
Identifiers: ClinVar variation 2161218 (VCV002161218.4), dbSNP rs1355575756, ClinGen allele CA380257757.

ClinVar aggregate classification (germline): Uncertain significance (1 of 4 stars; one submission).

Allele frequency attached by ClinVar (database versions not stated): gnomAD exomes below 0.00001.

Submission:

Labcorp Genetics (formerly Invitae), Labcorp
Classification: Uncertain significance. Last evaluated: 2023-05-15. Review status: criteria provided, single submitter. Criteria: Invitae Variant Classification Sherloc (09022015). Collection method: clinical testing. Allele origin: germline.
Comment: In summary, the available evidence is currently insufficient to determine the role of this variant in disease. Therefore, it has been classified as a Variant of Uncertain Significance. Algorithms developed to predict the effect of missense changes on protein structure and function output the following: SIFT: "Not Available"; PolyPhen-2: "Benign"; Align-GVGD: "Not Available". The threonine amino acid residue is found in multiple mammalian species, which suggests that this missense change does not adversely affect protein function. ClinVar contains an entry for this variant (Variation ID: 2161218). This variant has not been reported in the literature in individuals affected with ZNF408-related conditions. This variant is not present in population databases (gnomAD no frequency). This sequence change replaces alanine, which is neutral and non-polar, with threonine, which is neutral and polar, at codon 633 of the ZNF408 protein (p.Ala633Thr).